The following is an entry in ClinVar:

NM_006015.6(ARID1A):c.197C>G (p.Pro66Arg)

Gene: ARID1A (AT-rich interaction domain 1A; plus strand). Cytogenetic location: 1p36.11.
Variant type: single nucleotide variant.
Coding change: c.197C>G on transcript NM_006015.6 (MANE Select); coding-DNA position 197, C replaced by G.
Protein change: p.Pro66Arg; replaces proline 66 with arginine.
Molecular consequence: missense variant.
Genome position (GRCh38, 1-based): chr1:26,696,600, C>G. VCF-style: chr1-26696600-C-G. GRCh37 (hg19) VCF-style: chr1-27023091-C-G.
Other names: c.197C>G, p.Pro66Arg (NM_139135.4); short protein forms P66R.
Identifiers: ClinVar variation 1031595 (VCV001031595.1), dbSNP rs2080256530, ClinGen allele CA339264605.
Genomic context (GRCh38, chr1:26,696,600, plus strand): 5'-AGCGCGGGGAAATGAAGGCAGCCGCCGGGCAGGAAAGCGAGGGCCCCGCCGTGGGGCCGC[C>G]GCAGCCGCTGGGAAAGGAGCTGCAGGACGGGGCCGAGAGCAATGGGGGTGGCGGCGGCGG-3'
Protein context (NP_006006.3, residues 56-76): QESEGPAVGP[Pro66Arg]QPLGKELQDG

ClinVar aggregate classification (germline): Uncertain significance (1 of 4 stars; one submission).

Conditions:
Intellectual disability, autosomal dominant 14 (CSS2). Also called: COFFIN-SIRIS SYNDROME 2. Identifiers: Orphanet 1465, MedGen C3553247, MONDO:0013819, OMIM 614607.

Submission:

Baylor Genetics
Classification: Uncertain significance for Intellectual disability, autosomal dominant 14. Last evaluated: 2018-04-19. Review status: criteria provided, single submitter. Criteria: ACMG Guidelines, 2015. Collection method: clinical testing. Allele origin: paternal. Affected: yes.
Comment: This variant was determined to be of uncertain significance according to ACMG Guidelines, 2015 [PMID:25741868].